The following is an entry in ClinVar:

ClinVar aggregate classification (germline): Likely pathogenic (1 of 4 stars; one submission).

Allele frequency attached by ClinVar (database versions not stated): gnomAD exomes below 0.00001.

Submission:

Labcorp Genetics (formerly Invitae), Labcorp
Classification: Likely pathogenic. Last evaluated: 2022-12-23. Review status: criteria provided, single submitter. Criteria: Invitae Variant Classification Sherloc (09022015). Collection method: clinical testing. Allele origin: germline.
Comment: This sequence change affects a splice site in intron 1 of the LPL gene. It is expected to disrupt RNA splicing. Variants that disrupt the donor or acceptor splice site typically lead to a loss of protein function (PMID: 16199547), and loss-of-function variants in LPL are known to be pathogenic (PMID: 11334614). This variant is not present in population databases (gnomAD no frequency). This variant has not been reported in the literature in individuals affected with LPL-related conditions. Algorithms developed to predict the effect of sequence changes on RNA splicing suggest that this variant may disrupt the consensus splice site. In summary, the currently available evidence indicates that the variant is pathogenic, but additional data are needed to prove that conclusively. Therefore, this variant has been classified as Likely Pathogenic.

Literature cited by the submitters: PubMed 16199547; PubMed 11334614.

NM_000237.3(LPL):c.88+1del

Gene: LPL (lipoprotein lipase; plus strand). Cytogenetic location: 8p21.3.
Variant type: Deletion.
Coding change: c.88+1del on transcript NM_000237.3 (MANE Select); the canonical splice donor site of the intron after coding-DNA position 88, one base deleted (G; older notation c.88+1delG).
Molecular consequence: splice donor variant.
Genome position (GRCh38, 1-based): chr8:19,939,529, G deleted. VCF-style (leftmost placement, unchanged base first): chr8-19939528-CG-C. GRCh37 (hg19) VCF-style: chr8-19797039-CG-C.
Identifiers: ClinVar variation 2823414 (VCV002823414.3), dbSNP rs2540092337, ClinGen allele CA2686357481.
Genomic context (GRCh38, chr8:19,939,528, plus strand): 5'-ACTCTGGCCGTGTGGCTCCAGAGTCTGACCGCCTCCCGCGGAGGGGTGGCCGCCGCCGAC[CG>C]TAAGTTTTGCGCGCAAACTCCCCTCCACCTGCAGACCCGGCGGGTGGCCACTGCCACCCG-3'